The following is an entry in ClinVar:

NM_000535.7(PMS2):c.264C>G (p.His88Gln)

Gene: PMS2 (PMS1 homolog 2, mismatch repair system component; minus strand). Cytogenetic location: 7p22.1.
Variant type: single nucleotide variant.
Coding change: c.264C>G on transcript NM_000535.7 (MANE Select); coding-DNA position 264, C replaced by G.
Protein change: p.His88Gln; replaces histidine 88 with glutamine.
Molecular consequence: missense variant. On other transcripts: 5 prime UTR variant (35), non-coding transcript variant (1), intron variant (11).
Genome position (GRCh38, 1-based): chr7:6,003,779, G>C on the plus strand (C>G on the coding strand, the complement: PMS2 is on the minus strand). VCF-style: chr7-6003779-G-C. GRCh37 (hg19) VCF-style: chr7-6043410-G-C.
Other names: c.-142C>G (NM_001322003.2, NM_001322004.2, NM_001322005.2 and 13 more transcripts); c.264C>G, p.His88Gln (NM_001322006.2, NM_001322014.2, NM_001406869.1 and 8 more transcripts); c.-621C>G (NM_001322011.2, NM_001322012.2); c.-221C>G (NM_001322015.2, NM_001406875.1, NM_001406877.1 and 3 more transcripts); c.450C>G, p.His150Gln (NM_001406866.1); c.288C>G, p.His96Gln (NM_001406868.1); c.-168C>G (NM_001406880.1); c.-89C>G (NM_001406888.1, NM_001406889.1, NM_001406892.1 and 6 more transcripts); and 5 more; short protein forms H150Q, H88Q, H96Q.
Identifiers: ClinVar variation 4885022 (VCV004885022.2).

ClinVar aggregate classification (germline): Uncertain significance (1 of 4 stars; one submission).

Submission:

Dasa
Classification: Uncertain significance. Last evaluated: 2025-03-12. Review status: criteria provided, single submitter. Criteria: DASA Assertion Criteria. Collection method: clinical testing. Allele origin: germline.
Comment: NM_000535.7(PMS2):c.264C>G (p.His88Gln) is a missense variant that results in the substitution of histidine with glutamine. This variant is absent from population databases. The currently available literature and clinical evidence are not sufficient to establish a definitive association between this variant and the reported condition. Therefore, this variant is classified as a variant of uncertain significance.